The following is an entry in ClinVar:

NM_005732.4(RAD50):c.305G>A (p.Cys102Tyr)

Gene: RAD50 (RAD50 double strand break repair protein; plus strand). Cytogenetic location: 5q31.1.
Variant type: single nucleotide variant.
Coding change: c.305G>A on transcript NM_005732.4 (MANE Select); coding-DNA position 305, G replaced by A.
Protein change: p.Cys102Tyr; replaces cysteine 102 with tyrosine.
Molecular consequence: missense variant.
Genome position (GRCh38, 1-based): chr5:132,575,868, G>A. VCF-style: chr5-132575868-G-A. GRCh37 (hg19) VCF-style: chr5-131911560-G-A.
Other names: short protein forms C102Y.
Identifiers: ClinVar variation 572345 (VCV000572345.17), dbSNP rs573712823, ClinGen allele CA3404954.

ClinVar aggregate classification (germline): Uncertain significance. Review status: criteria provided, multiple submitters, no conflicts (2 of 4 stars). 2 submissions from 2 submitters: Uncertain significance (2). Last evaluated 2025-07-25.

Conditions:
Hereditary cancer-predisposing syndrome. Also called: Neoplastic Syndromes, Hereditary; Hereditary Cancer Syndrome; Tumor predisposition; Hereditary neoplastic syndrome. Identifiers: Orphanet 140162, MedGen C0027672, MeSH D009386, MONDO:0015356.

Allele frequency attached by ClinVar (database versions not stated): gnomAD 0.00001; ExAC 0.00003; gnomAD exomes 0.00005; 1000 Genomes Project 30x 0.00016; 1000 Genomes Project 0.00020.
gnomAD v4.1: 31 of 1,609,404 alleles (0.0019%); highest among the groups gnomAD compares: South Asian, 0.031%; no homozygotes.

Submissions (2):

Ambry Genetics
Classification: Uncertain significance for Hereditary cancer-predisposing syndrome. Last evaluated: 2025-07-25. Review status: criteria provided, single submitter. Criteria: Ambry Variant Classification Scheme 2023. Collection method: clinical testing. Allele origin: germline.
Comment: The p.C102Y variant (also known as c.305G>A), located in coding exon 3 of the RAD50 gene, results from a G to A substitution at nucleotide position 305. The cysteine at codon 102 is replaced by tyrosine, an amino acid with highly dissimilar properties. This amino acid position is highly conserved in available vertebrate species. In addition, the in silico prediction for this alteration is inconclusive. Since supporting evidence is limited at this time, the clinical significance of this alteration remains unclear.

Labcorp Genetics (formerly Invitae), Labcorp
Classification: Uncertain significance for Hereditary cancer-predisposing syndrome. Last evaluated: 2025-01-11. Review status: criteria provided, single submitter. Criteria: Invitae Variant Classification Sherloc (09022015). Collection method: clinical testing. Allele origin: germline.
Comment: This sequence change replaces cysteine, which is neutral and slightly polar, with tyrosine, which is neutral and polar, at codon 102 of the RAD50 protein (p.Cys102Tyr). This variant is present in population databases (rs573712823, gnomAD 0.04%). This variant has not been reported in the literature in individuals affected with RAD50-related conditions. ClinVar contains an entry for this variant (Variation ID: 572345). Invitae Evidence Modeling of protein sequence and biophysical properties (such as structural, functional, and spatial information, amino acid conservation, physicochemical variation, residue mobility, and thermodynamic stability) indicates that this missense variant is expected to disrupt RAD50 protein function with a positive predictive value of 80%. RNA analysis performed to evaluate the impact of this missense change on mRNA splicing indicates it does not significantly alter splicing (internal data). In summary, the available evidence is currently insufficient to determine the role of this variant in disease. Therefore, it has been classified as a Variant of Uncertain Significance.